The following is an entry in ClinVar:

NM_022464.5(SIL1):c.460C>T (p.Gln154Ter)

Gene: SIL1 (SIL1 nucleotide exchange factor; minus strand). Cytogenetic location: 5q31.2.
Variant type: single nucleotide variant.
Coding change: c.460C>T on transcript NM_022464.5 (MANE Select); coding-DNA position 460, C replaced by T.
Protein change: p.Gln154Ter; replaces glutamine 154 with a stop codon.
Molecular consequence: nonsense.
Genome position (GRCh38, 1-based): chr5:139,026,986, G>A on the plus strand (C>T on the coding strand, the complement: SIL1 is on the minus strand). VCF-style: chr5-139026986-G-A. GRCh37 (hg19) VCF-style: chr5-138362675-G-A.
Other names: c.460C>T, p.Gln154Ter (NM_001037633.2); short protein forms Q154*.
Identifiers: ClinVar variation 198254 (VCV000198254.7), dbSNP rs774441811, ClinGen allele CA275358.

ClinVar aggregate classification (germline): Pathogenic. Review status: criteria provided, multiple submitters, no conflicts (2 of 4 stars). 3 submissions from 3 submitters: Pathogenic (3). Last evaluated 2025-10-13.

Conditions:
Marinesco-Sjögren syndrome (MSS). Also called: Marinesco-Sjogren Syndrome; Marinesco-SjÃ¶gren syndrome. Identifiers: Orphanet 559, MedGen C0024814, MONDO:0009567, OMIM 248800.

Allele frequency attached by ClinVar (database versions not stated): ExAC 0.00001; gnomAD 0.00001; gnomAD exomes 0.00001; TOPMed 0.00001.

Submissions (3):

Women's Health and Genetics/Laboratory Corporation of America, LabCorp
Classification: Pathogenic for Marinesco-Sjögren syndrome. Last evaluated: 2025-10-13. Review status: criteria provided, single submitter. Criteria: LabCorp Variant Classification Summary - May 2015. Collection method: clinical testing. Allele origin: germline.
Comment: Variant summary: SIL1 c.460C>T (p.Gln154X) results in a premature termination codon, predicted to cause a truncation of the encoded protein or absence of the protein due to nonsense mediated decay, which are commonly known mechanisms for disease. The variant allele was found at a frequency of 8e-06 in 251254 control chromosomes. c.460C>T has been observed in individual(s) affected with Marinesco-Sjogren Syndrome (Krieger_2013). To our knowledge, no experimental evidence demonstrating an impact on protein function has been reported. The following publication have been ascertained in the context of this evaluation (PMID: 24176978). ClinVar contains an entry for this variant (Variation ID: 198254). Based on the evidence outlined above, the variant was classified as pathogenic.

Labcorp Genetics (formerly Invitae), Labcorp
Classification: Pathogenic for Marinesco-Sjögren syndrome. Last evaluated: 2025-06-02. Review status: criteria provided, single submitter. Criteria: Invitae Variant Classification Sherloc (09022015). Collection method: clinical testing. Allele origin: germline.
Comment: This sequence change creates a premature translational stop signal (p.Gln154*) in the SIL1 gene. It is expected to result in an absent or disrupted protein product. Loss-of-function variants in SIL1 are known to be pathogenic (PMID: 16282977, 24176978). This variant is present in population databases (rs774441811, gnomAD 0.002%). This premature translational stop signal has been observed in individual(s) with SIL1-related conditions (PMID: 24176978). ClinVar contains an entry for this variant (Variation ID: 198254). For these reasons, this variant has been classified as Pathogenic.

Eurofins Ntd Llc (ga)
Classification: Pathogenic. Last evaluated: 2014-10-21. Review status: criteria provided, single submitter. Criteria: EGL Classification Definitions 2015. Collection method: clinical testing. Allele origin: germline. Observed: 2 variant alleles, 1 heterozygote, 1 homozygote.

Literature cited by the submitters: PubMed 24176978 (cited by 3 submitters); PubMed 16282977 (cited by Labcorp Genetics (formerly Invitae), Labcorp).